The following is an entry in ClinVar:

NM_006206.6(PDGFRA):c.1189C>A (p.Gln397Lys)

Gene: PDGFRA (platelet derived growth factor receptor alpha; plus strand). Cytogenetic location: 4q12.
Variant type: single nucleotide variant.
Coding change: c.1189C>A on transcript NM_006206.6 (MANE Select); coding-DNA position 1189, C replaced by A.
Protein change: p.Gln397Lys; replaces glutamine 397 with lysine.
Molecular consequence: missense variant.
Genome position (GRCh38, 1-based): chr4:54,270,700, C>A. VCF-style: chr4-54270700-C-A. GRCh37 (hg19) VCF-style: chr4-55136867-C-A.
Other names: c.1189C>A, p.Gln397Lys (NM_001347827.2, NM_001347829.2); c.1264C>A, p.Gln422Lys (NM_001347828.2); c.1228C>A, p.Gln410Lys (NM_001347830.2); c.1189C>A (NM_006206.4); short protein forms Q422K, Q397K, Q410K.
Identifiers: ClinVar variation 1506543 (VCV001506543.7), dbSNP rs1467315284, ClinGen allele CA356892010.

ClinVar aggregate classification (germline): Uncertain significance. Review status: criteria provided, multiple submitters, no conflicts (2 of 4 stars). 2 submissions from 2 submitters: Uncertain significance (2). Last evaluated 2026-07-07.

Conditions:
Gastrointestinal stromal tumor. Also called: Gastrointestinal stromal tumor, somatic; Gastrointestinal stroma tumor. Identifiers: Orphanet 44890, MedGen C0238198, MeSH D046152, MONDO:0011719, OMIM 606764, HP:0100723.
Hereditary cancer-predisposing syndrome. Also called: Hereditary Cancer Syndrome; Tumor predisposition; Neoplastic Syndromes, Hereditary; Hereditary neoplastic syndrome. Identifiers: Orphanet 140162, MedGen C0027672, MeSH D009386, MONDO:0015356.

gnomAD v4.1: 1 of 1,611,370 alleles (0.000062%); highest among the groups gnomAD compares: Non-Finnish European, 0.000085%; no homozygotes.

Submissions (2):

Ambry Genetics
Classification: Uncertain significance for Hereditary cancer-predisposing syndrome. Last evaluated: 2026-07-07. Review status: criteria provided, single submitter. Criteria: Ambry Variant Classification Scheme 2023. Collection method: clinical testing. Allele origin: germline.
Comment: The p.Q397K variant (also known as c.1189C>A), located in coding exon 7 of the PDGFRA gene, results from a C to A substitution at nucleotide position 1189. The glutamine at codon 397 is replaced by lysine, an amino acid with similar properties. This amino acid position is conserved. In addition, this alteration is predicted to be tolerated by in silico analysis. Based on the available evidence, the clinical significance of this variant remains unclear.

Labcorp Genetics (formerly Invitae), Labcorp
Classification: Uncertain significance for Gastrointestinal stromal tumor. Last evaluated: 2021-11-17. Review status: criteria provided, single submitter. Criteria: Invitae Variant Classification Sherloc (09022015). Collection method: clinical testing. Allele origin: germline.
Comment: In summary, the available evidence is currently insufficient to determine the role of this variant in disease. Therefore, it has been classified as a Variant of Uncertain Significance. Algorithms developed to predict the effect of missense changes on protein structure and function output the following: SIFT: "Tolerated"; PolyPhen-2: "Benign"; Align-GVGD: "Class C0". The lysine amino acid residue is found in multiple mammalian species, which suggests that this missense change does not adversely affect protein function. This variant has not been reported in the literature in individuals affected with PDGFRA-related conditions. This variant is not present in population databases (gnomAD no frequency). This sequence change replaces glutamine, which is neutral and polar, with lysine, which is basic and polar, at codon 397 of the PDGFRA protein (p.Gln397Lys).